The following is an entry in ClinVar:

NM_024120.5(NDUFAF5):c.376-2A>T

Gene: NDUFAF5 (NADH:ubiquinone oxidoreductase complex assembly factor 5; plus strand). Cytogenetic location: 20p12.1.
Variant type: single nucleotide variant.
Coding change: c.376-2A>T on transcript NM_024120.5 (MANE Select); the canonical splice acceptor site of the intron before coding-DNA position 376, A replaced by T.
Molecular consequence: splice acceptor variant. On other transcripts: intron variant (2).
Genome position (GRCh38, 1-based): chr20:13,794,836, A>T. VCF-style: chr20-13794836-A-T. GRCh37 (hg19) VCF-style: chr20-13775482-A-T.
Other names: c.-186-2A>T (NM_001352407.2, NM_001352406.2); c.395+1609A>T (NM_001039375.3); c.8+1609A>T (NM_001352403.2); c.376-2A>T (NM_001352408.2).
Identifiers: ClinVar variation 4816122 (VCV004816122.1).

ClinVar aggregate classification (germline): Likely pathogenic (1 of 4 stars; one submission).

Conditions:
Mitochondrial complex I deficiency. Also called: NADH:Q(1) OXIDOREDUCTASE DEFICIENCY. Identifiers: Orphanet 2609, MedGen C1838979, MeSH C537475, MONDO:0100133.

Submission:

Natera, Inc.
Classification: Likely pathogenic for Mitochondrial complex I deficiency. Last evaluated: 2024-07-16. Review status: criteria provided, single submitter. Criteria: Natera Variant Classification Schema (03/2026). Collection method: clinical testing. Allele origin: germline.
Comment: The c.376-2A>T variant in NDUFAF5 is a canonical splice acceptor site variant predicted to affect pre-mRNA splicing, which may result in an abnormal transcript and altered protein product. This variant is expected to result in nonsense mediated decay, truncation, or a dysfunctional protein product. This variant is rare in the general population with a frequency below the threshold expected for the associated phenotype(s). Given the available evidence, this variant is classified as Likely Pathogenic.